The following is an entry in ClinVar:

NM_001430.5(EPAS1):c.526G>C (p.Val176Leu)

Genes: EPAS1 (endothelial PAS domain protein 1; plus strand), LOC126806210 (BRD4-independent group 4 enhancer GRCh37_chr2:46587586-46588785; plus strand). Cytogenetic location: 2p21.
Variant type: single nucleotide variant.
Coding change: c.526G>C on transcript NM_001430.5 (MANE Select); coding-DNA position 526, G replaced by C.
Protein change: p.Val176Leu; replaces valine 176 with leucine.
Molecular consequence: missense variant.
Genome position (GRCh38, 1-based): chr2:46,360,709, G>C. VCF-style: chr2-46360709-G-C. GRCh37 (hg19) VCF-style: chr2-46587848-G-C.
Other names: short protein forms V176L.
Identifiers: ClinVar variation 1746504 (VCV001746504.2), dbSNP rs2103636143, ClinGen allele CA346699285.
Genomic context (GRCh38, chr2:46,360,709, plus strand): 5'-GGGAAAAAAAGCAAAGACATGTCCACAGAGCGGGACTTCTTCATGAGGATGAAGTGCACG[G>C]TCACCAACAGAGGCCGTACTGTCAACCTCAAGTCAGCCACCTGGAAGGTAGGGCAACATC-3'
Protein context (NP_001421.2, residues 166-186): RDFFMRMKCT[Val176Leu]TNRGRTVNLK

ClinVar aggregate classification (germline): Uncertain significance (1 of 4 stars; one submission).

Conditions:
Inborn genetic diseases. Identifiers: MedGen C0950123, MeSH D030342.

Submission:

Ambry Genetics
Classification: Uncertain significance for Inborn genetic diseases. Last evaluated: 2022-07-27. Review status: criteria provided, single submitter. Criteria: Ambry Variant Classification Scheme 2023. Collection method: clinical testing. Allele origin: germline.
Comment: The p.V176L variant (also known as c.526G>C), located in coding exon 5 of the EPAS1 gene, results from a G to C substitution at nucleotide position 526. The valine at codon 176 is replaced by leucine, an amino acid with highly similar properties. This amino acid position is conserved. In addition, this alteration is predicted to be tolerated by in silico analysis. Since supporting evidence is limited at this time, the clinical significance of this alteration remains unclear.